The following is an entry in ClinVar:

NM_001127511.3(APC):c.117G>C (p.Lys39Asn)

Gene: APC (APC regulator of Wnt signaling pathway; plus strand). Cytogenetic location: 5q22.2.
Variant type: single nucleotide variant.
Coding change: c.117G>C on transcript NM_001127511.3; coding-DNA position 117, G replaced by C.
Protein change: p.Lys39Asn; replaces lysine 39 with asparagine.
Molecular consequence: missense variant. On other transcripts: 5 prime UTR variant (8), non-coding transcript variant (1), intron variant (5).
Genome position (GRCh38, 1-based): chr5:112,707,834, G>C. VCF-style: chr5-112707834-G-C. GRCh37 (hg19) VCF-style: chr5-112043531-G-C.
Other names: c.-67G>C (NM_001407460.1, NM_001407469.1, NM_001354895.2 and 3 more transcripts); c.-1102G>C (NM_001407470.1, NM_001407472.1); c.-19+185G>C (NM_001407448.1, NM_001407450.1, NM_001407457.1 and 1 more transcripts); c.-43+185G>C (NM_001407453.1); c.117G>C, p.Lys39Asn (NM_001354897.2, NM_001354902.2, NM_001407446.1); short protein forms K39N.
Identifiers: ClinVar variation 1022241 (VCV001022241.10), dbSNP rs1750612789, ClinGen allele CA360612028.

ClinVar aggregate classification (germline): Uncertain significance. Review status: criteria provided, single submitter (1 of 4 stars). 2 submissions from 2 submitters: Uncertain significance (1). 1 of the submissions does not count toward it. Last evaluated 2025-10-09.

Conditions:
Familial adenomatous polyposis 1 (FAP1). Also called: FAMILIAL ADENOMATOUS POLYPOSIS 1, ATTENUATED; POLYPOSIS, ADENOMATOUS INTESTINAL. Identifiers: MedGen C2713442, MONDO:0021056, OMIM 175100. Disease mechanism: loss of function.
APC-related disorder. Also called: APC-related condition.

Submissions (2):

Labcorp Genetics (formerly Invitae), Labcorp
Classification: Uncertain significance for Familial adenomatous polyposis 1. Last evaluated: 2025-10-09. Review status: criteria provided, single submitter. Criteria: Invitae Variant Classification Sherloc (09022015). Collection method: clinical testing. Allele origin: germline.
Comment: This variant occurs in a non-coding region of the APC gene. It does not change the encoded amino acid sequence of the APC protein. This variant is not present in population databases (gnomAD no frequency). This variant has not been reported in the literature in individuals affected with APC-related conditions. Experimental studies and prediction algorithms are not available or were not evaluated, and the functional significance of this variant is currently unknown. In summary, the available evidence is currently insufficient to determine the role of this variant in disease. Therefore, it has been classified as a Variant of Uncertain Significance.

PreventionGenetics, part of Exact Sciences
Classification: Uncertain significance for APC-related condition. Last evaluated: 2024-09-12. Review status: no assertion criteria provided. Collection method: clinical testing. Allele origin: germline. Not counted in ClinVar's aggregate classification.
Comment: The APC c.117G>C variant is predicted to result in the amino acid substitution p.Lys39Asn. On an alternate transcript (NM_000038.5) this variant is c.-30110G>C (Pre-Coding). To our knowledge, this variant has not been reported in the literature or in a large population database, indicating this variant is rare. This variant is classified as a variant of uncertain significance by one lab in ClinVar. At this time, the clinical significance of this variant is uncertain due to the absence of conclusive functional and genetic evidence.